The following is an entry in ClinVar:

NM_001271.4(CHD2):c.443+3_443+6del

Gene: CHD2 (chromodomain helicase DNA binding protein 2; plus strand). Cytogenetic location: 15q26.1.
Variant type: Deletion.
Coding change: c.443+3_443+6del on transcript NM_001271.4 (MANE Select); bases 3 to 6 of the intron after coding-DNA position 443, 4 bases deleted (AAGT; older notation c.443+3_443+6delAAGT).
Molecular consequence: splice donor variant.
Genome position (GRCh38, 1-based): chr15:92,929,094-92,929,097, AAGT deleted; deleting any 4 consecutive bases within chr15:92,929,091-92,929,097 gives the same sequence; the c. name uses the placement nearest the transcript's 3' end. VCF-style (leftmost placement, unchanged base first): chr15-92929090-CAGTA-C. GRCh37 (hg19) VCF-style: chr15-93472320-CAGTA-C.
Other names: c.443+3_443+6del (NM_001042572.3).
Identifiers: ClinVar variation 1453728 (VCV001453728.6), dbSNP rs2141755356, ClinGen allele CA2573151496.

ClinVar aggregate classification (germline): Pathogenic (1 of 4 stars; one submission).

Conditions:
Developmental and epileptic encephalopathy 94 (DEE94). Also called: Epileptic encephalopathy, childhood-onset; CHD2-Related Neurodevelopmental Disorders. Identifiers: Orphanet 1942, Orphanet 2382, MedGen C3809278, MONDO:0014150, OMIM 615369.

Submission:

Labcorp Genetics (formerly Invitae), Labcorp
Classification: Pathogenic for Developmental and epileptic encephalopathy 94. Last evaluated: 2022-08-16. Review status: criteria provided, single submitter. Criteria: Invitae Variant Classification Sherloc (09022015). Collection method: clinical testing. Allele origin: germline.
Comment: This variant is not present in population databases (gnomAD no frequency). This sequence change falls in intron 5 of the CHD2 gene. It does not directly change the encoded amino acid sequence of the CHD2 protein. It affects a nucleotide within the consensus splice site. For these reasons, this variant has been classified as Pathogenic. Variants that disrupt the consensus splice site are a relatively common cause of aberrant splicing (PMID: 17576681, 9536098). Algorithms developed to predict the effect of sequence changes on RNA splicing suggest that this variant may disrupt the consensus splice site. ClinVar contains an entry for this variant (Variation ID: 1453728). This variant has been observed in individual(s) with clinical features of CHD2-related conditions (Invitae). In at least one individual the variant was observed to be de novo.

Literature cited by the submitters: PubMed 17576681; PubMed 9536098.